The following is an entry in ClinVar:

NM_001374736.1(DST):c.3610A>T (p.Asn1204Tyr)

Gene: DST (dystonin; minus strand). Cytogenetic location: 6p12.1.
Variant type: single nucleotide variant.
Coding change: c.3610A>T on transcript NM_001374736.1 (MANE Select); coding-DNA position 3610, A replaced by T.
Protein change: p.Asn1204Tyr; replaces asparagine 1204 with tyrosine.
Molecular consequence: missense variant.
Genome position (GRCh38, 1-based): chr6:56,634,143, T>A on the plus strand (A>T on the coding strand, the complement: DST is on the minus strand). VCF-style: chr6-56634143-T-A. GRCh37 (hg19) VCF-style: chr6-56498941-T-A.
Other names: c.3511A>T, p.Asn1171Tyr (NM_001144769.5); c.3097A>T, p.Asn1033Tyr (NM_001144770.2); c.3610A>T, p.Asn1204Tyr (NM_001374722.1); c.2977A>T, p.Asn993Tyr (NM_001374729.1, NM_001374730.1, NM_001386100.1 and 1 more transcripts); c.3637A>T, p.Asn1213Tyr (NM_001374734.1); c.1999A>T, p.Asn667Tyr (NM_001723.7, NM_015548.5); short protein forms N1033Y, N1213Y, N993Y, N1204Y, N667Y, N1171Y.
Identifiers: ClinVar variation 1732167 (VCV001732167.7), dbSNP rs573654021, ClinGen allele CA364575548.

ClinVar aggregate classification (germline): Uncertain significance. Review status: criteria provided, multiple submitters, no conflicts (2 of 4 stars). 2 submissions from 2 submitters: Uncertain significance (2). Last evaluated 2022-05-26.

Conditions:
Epidermolysis bullosa simplex 3, localized or generalized intermediate, with BP230 deficiency (EBS3). Also called: Epidermolysis bullosa simplex, autosomal recessive 2; Epidermolysis bullosa simplex due to BP230 deficiency. Identifiers: Orphanet 412181, MedGen C3809470, MONDO:0014180, OMIM 615425.
Hereditary sensory and autonomic neuropathy type 6. Also called: HSAN VI; Neuropathy, hereditary sensory and autonomic, type VI. Identifiers: Orphanet 314381, MedGen C3539003, MONDO:0013839, OMIM 614653.
Inborn genetic diseases. Identifiers: MedGen C0950123, MeSH D030342.

gnomAD v4.1: 1 of 1,613,264 alleles (0.000062%); highest among the groups gnomAD compares: Non-Finnish European, 0.000085%; no homozygotes.

Submissions (2):

Labcorp Genetics (formerly Invitae), Labcorp
Classification: Uncertain significance for Epidermolysis bullosa simplex 3, localized or generalized intermediate, with BP230 deficiency; Hereditary sensory and autonomic neuropathy type 6. Last evaluated: 2022-05-26. Review status: criteria provided, single submitter. Criteria: Invitae Variant Classification Sherloc (09022015). Collection method: clinical testing. Allele origin: germline.
Comment: In summary, the available evidence is currently insufficient to determine the role of this variant in disease. Therefore, it has been classified as a Variant of Uncertain Significance. Algorithms developed to predict the effect of missense changes on protein structure and function (SIFT, PolyPhen-2, Align-GVGD) all suggest that this variant is likely to be disruptive. This variant has not been reported in the literature in individuals affected with DST-related conditions. This variant is not present in population databases (gnomAD no frequency). This sequence change replaces asparagine, which is neutral and polar, with tyrosine, which is neutral and polar, at codon 667 of the DST protein (p.Asn667Tyr).

Ambry Genetics
Classification: Uncertain significance for Inborn genetic diseases. Last evaluated: 2020-06-30. Review status: criteria provided, single submitter. Criteria: Ambry Variant Classification Scheme 2023. Collection method: clinical testing. Allele origin: germline.
Comment: The p.N1171Y variant (also known as c.3511A>T), located in coding exon 26 of the DST gene, results from an A to T substitution at nucleotide position 3511. The asparagine at codon 1171 is replaced by tyrosine, an amino acid with dissimilar properties. This amino acid position is well conserved in available vertebrate species. In addition, the in silico prediction for this alteration is inconclusive. Since supporting evidence is limited at this time, the clinical significance of this alteration remains unclear.